The following is an entry in ClinVar:

NM_025114.4(CEP290):c.6892C>T (p.Gln2298Ter)

Gene: CEP290 (centrosomal protein 290; minus strand). Cytogenetic location: 12q21.32.
Variant type: single nucleotide variant.
Coding change: c.6892C>T on transcript NM_025114.4 (MANE Select); coding-DNA position 6892, C replaced by T.
Protein change: p.Gln2298Ter; replaces glutamine 2298 with a stop codon.
Molecular consequence: nonsense.
Genome position (GRCh38, 1-based): chr12:88,055,644, G>A on the plus strand (C>T on the coding strand, the complement: CEP290 is on the minus strand). VCF-style: chr12-88055644-G-A. GRCh37 (hg19) VCF-style: chr12-88449421-G-A.
Other names: short protein forms Q2298*.
Identifiers: ClinVar variation 866450 (VCV000866450.7), dbSNP rs2033937635, ClinGen allele CA385976380.

ClinVar aggregate classification (germline): Pathogenic/Likely pathogenic. Review status: criteria provided, multiple submitters, no conflicts (2 of 4 stars). 4 submissions from 4 submitters: Pathogenic (2); Likely pathogenic (2). Last evaluated 2024-05-28.

Conditions:
CEP290-related disorder. Also called: CEP290-related disorders; CEP290-related condition. Identifiers: MedGen CN239314.
Meckel-Gruber syndrome. Also called: Dysencephalia splachnocystica; DYSENCEPHALIA SPLANCHNOCYSTICA; GRUBER SYNDROME. Identifiers: Orphanet 564, MedGen C0265215, MONDO:0018921.
Joubert syndrome. Also called: Familial aplasia of the vermis; JOUBERT-BOLTSHAUSER SYNDROME. Identifiers: Orphanet 475, MedGen C5979921, MONDO:0018772.
Nephronophthisis. Also called: Juvenile Nephronophthisis. Identifiers: Orphanet 655, MedGen C0687120, MONDO:0019005, HP:0000090.
Bardet-Biedl syndrome 14 (BBS14). Identifiers: Orphanet 110, MedGen C2673874, MONDO:0014442, OMIM 615991.
CEP290-related ciliopathy. Also called: CEP290 ciliopathy. Identifiers: MedGen CN305601, MONDO:0100451.

Submissions (4):

Myriad Genetics, Inc.
Classification: Pathogenic for CEP290-related ciliopathy. Last evaluated: 2024-05-28. Review status: criteria provided, single submitter. Criteria: Myriad Autosomal Dominant, Autosomal Recessive and X-Linked Classification Criteria (2023). Collection method: clinical testing. Allele origin: unknown.
Comment: NM_025114.3(CEP290):c.6892C>T(Q2298*) is expected to be pathogenic in the context of CEP290-related disorders. This variant is predicted to lead to an abnormal or absent protein product due to the creation of a premature termination codon in CEP290, a gene where loss-of-function variants are known to be pathogenic. Please note: this variant was assessed in the context of healthy population screening.

Labcorp Genetics (formerly Invitae), Labcorp
Classification: Pathogenic for Joubert syndrome; Meckel-Gruber syndrome; Nephronophthisis. Last evaluated: 2023-12-27. Review status: criteria provided, single submitter. Criteria: Invitae Variant Classification Sherloc (09022015). Collection method: clinical testing. Allele origin: germline.
Comment: This sequence change creates a premature translational stop signal (p.Gln2298*) in the CEP290 gene. It is expected to result in an absent or disrupted protein product. Loss-of-function variants in CEP290 are known to be pathogenic (PMID: 16909394, 17345604, 20690115). This variant is not present in population databases (gnomAD no frequency). This variant has not been reported in the literature in individuals affected with CEP290-related conditions. ClinVar contains an entry for this variant (Variation ID: 866450). For these reasons, this variant has been classified as Pathogenic.

Baylor Genetics
Classification: Likely pathogenic for Bardet-Biedl syndrome 14. Last evaluated: 2023-03-15. Review status: criteria provided, single submitter. Criteria: ACMG Guidelines, 2015. Collection method: clinical testing. Allele origin: unknown.

Blueprint Genetics
Classification: Likely pathogenic for CEP290-related disorders. Last evaluated: 2017-08-04. Review status: criteria provided, single submitter. Criteria: ACMG Guidelines, 2015. Collection method: clinical testing. Allele origin: germline. Affected: yes. Observed: 1 variant allele.

Literature cited by the submitters: PubMed 16909394 (cited by Labcorp Genetics (formerly Invitae), Labcorp); PubMed 17345604 (cited by Labcorp Genetics (formerly Invitae), Labcorp); PubMed 20690115 (cited by Labcorp Genetics (formerly Invitae), Labcorp).